The following is an entry in ClinVar:

ClinVar aggregate classification (germline): Uncertain significance. Review status: criteria provided, multiple submitters, no conflicts (2 of 4 stars). 2 submissions from 2 submitters: Uncertain significance (2). Last evaluated 2025-12-01.

Allele frequency attached by ClinVar (database versions not stated): gnomAD exomes below 0.00001; gnomAD 0.00001; ExAC 0.00002.

Submissions (2):

Labcorp Genetics (formerly Invitae), Labcorp
Classification: Uncertain significance. Last evaluated: 2025-12-01. Review status: criteria provided, single submitter. Criteria: Invitae Variant Classification Sherloc (09022015). Collection method: clinical testing. Allele origin: germline.
Comment: This sequence change replaces arginine, which is basic and polar, with glutamine, which is neutral and polar, at codon 611 of the ARHGEF1 protein (p.Arg611Gln). This variant is present in population databases (rs782505514, gnomAD 0.03%). This variant has not been reported in the literature in individuals affected with ARHGEF1-related conditions. ClinVar contains an entry for this variant (Variation ID: 2621160). An algorithm developed to predict the effect of missense changes on protein structure and function (PolyPhen-2) suggests that this variant is likely to be disruptive. In summary, the available evidence is currently insufficient to determine the role of this variant in disease. Therefore, it has been classified as a Variant of Uncertain Significance.

Ambry Genetics
Classification: Uncertain significance. Last evaluated: 2023-08-22. Review status: criteria provided, single submitter. Criteria: Ambry Variant Classification Scheme 2023. Collection method: clinical testing. Allele origin: germline.

NM_004706.4(ARHGEF1):c.1787G>A (p.Arg596Gln)

Gene: ARHGEF1 (Rho guanine nucleotide exchange factor 1; plus strand). Cytogenetic location: 19q13.2.
Variant type: single nucleotide variant.
Coding change: c.1787G>A on transcript NM_004706.4 (MANE Select); coding-DNA position 1787, G replaced by A.
Protein change: p.Arg596Gln; replaces arginine 596 with glutamine.
Molecular consequence: missense variant. On other transcripts: non-coding transcript variant (2).
Genome position (GRCh38, 1-based): chr19:41,903,355, G>A. VCF-style: chr19-41903355-G-A. GRCh37 (hg19) VCF-style: chr19-42407505-G-A.
Other names: c.1955G>A, p.Arg652Gln (NM_001396000.1); c.1688G>A, p.Arg563Gln (NM_001396002.1, NM_001396004.1, NM_198977.2); c.1787G>A, p.Arg596Gln (NM_001396003.1, NM_001396006.1); c.1832G>A, p.Arg611Gln (NM_199002.2); short protein forms R652Q, R563Q, R596Q, R611Q.
Identifiers: ClinVar variation 2621160 (VCV002621160.3), dbSNP rs782505514, ClinGen allele CA9466483.